The following is an entry in ClinVar:

NM_178335.3(CCDC50):c.908_910del (p.Lys303del)

Gene: CCDC50 (coiled-coil domain containing 50; plus strand). Cytogenetic location: 3q28.
Variant type: Deletion.
Coding change: c.908_910del on transcript NM_178335.3 (MANE Select); coding-DNA positions 908 to 910, 3 bases deleted (AAA; older notation c.908_910delAAA).
Protein change: p.Lys303del; deletes lysine 303.
Molecular consequence: inframe deletion. On other transcripts: intron variant (1).
Genome position (GRCh38, 1-based): chr3:191,375,521-191,375,523, AAA deleted; deleting any 3 consecutive bases within chr3:191,375,519-191,375,523 gives the same sequence; the c. name uses the placement nearest the transcript's 3' end. VCF-style (leftmost placement, unchanged base first): chr3-191375518-GAAA-G. GRCh37 (hg19) VCF-style: chr3-191093307-GAAA-G.
Other names: c.449-4638_449-4636del (NM_174908.4); short protein forms K303del.
Identifiers: ClinVar variation 4685034 (VCV004685034.1).

ClinVar aggregate classification (germline): Uncertain significance (1 of 4 stars; one submission).

Submission:

GeneDx
Classification: Uncertain significance. Last evaluated: 2025-07-10. Review status: criteria provided, single submitter. Criteria: GeneDx Variant Classification Process June 2021. Collection method: clinical testing. Allele origin: germline. Affected: yes.
Comment: Not observed at significant frequency in large population cohorts (gnomAD); In-frame deletion of 1 amino acid(s) in a non-repeat region; In silico analysis suggests that this variant does not alter protein structure/function; Has not been previously published as pathogenic or benign to our knowledge